The following is an entry in ClinVar:

ClinVar aggregate classification (germline): Benign/Likely benign. Review status: criteria provided, multiple submitters, no conflicts (2 of 4 stars). 3 submissions from 3 submitters: Benign (2); Likely benign (1). Last evaluated 2025-12-09.

Conditions:
Ehlers-Danlos syndrome, kyphoscoliotic type, 2. Also called: FKBP14-Kyphoscoliotic Ehlers-Danlos Syndrome; Ehlers-Danlos syndrome with progressive kyphoscoliosis, myopathy, and hearing loss; Ehlers-Danlos syndrome, kyphoscoliotic and deafness type. Identifiers: Orphanet 300179, MedGen C3281160, MONDO:0013800, OMIM 614557.
Cardiovascular phenotype. Identifiers: MedGen CN230736.

Allele frequency attached by ClinVar (database versions not stated): gnomAD exomes 0.00003 and 0.00016; TOPMed 0.00007; gnomAD 0.00008 and 0.00010; ExAC 0.00019; 1000 Genomes Project 30x 0.00047; 1000 Genomes Project 0.00060.
gnomAD v4.1: 58 of 1,614,108 alleles (0.0036%); highest among the groups gnomAD compares: East Asian, 0.12%; no homozygotes.

Submissions (3):

Labcorp Genetics (formerly Invitae), Labcorp
Classification: Benign for Ehlers-Danlos syndrome, kyphoscoliotic type, 2. Last evaluated: 2025-12-09. Review status: criteria provided, single submitter. Criteria: Invitae Variant Classification Sherloc (09022015). Collection method: clinical testing. Allele origin: germline.

Women's Health and Genetics/Laboratory Corporation of America, LabCorp
Classification: Benign. Last evaluated: 2024-11-19. Review status: criteria provided, single submitter. Criteria: LabCorp Variant Classification Summary - May 2015. Collection method: clinical testing. Allele origin: germline.
Comment: Variant summary: FKBP14 c.246G>A alters a non-conserved nucleotide resulting in a synonymous change. Consensus agreement among computation tools predict no significant impact on normal splicing. However, these predictions have yet to be confirmed by functional studies. The variant allele was found at a frequency of 0.00016 in 251354 control chromosomes, predominantly at a frequency of 0.0022 within the East Asian subpopulation in the gnomAD database. The observed variant frequency within East Asian control individuals in the gnomAD database is approximately 2-fold of the estimated maximal expected allele frequency for a pathogenic variant in FKBP14 causing Ehlers-Danlos syndrome, kyphoscoliotic type, 2 phenotype (0.0011). To our knowledge, no occurrence of c.246G>A in individuals affected with Ehlers-Danlos syndrome, kyphoscoliotic type, 2 and no experimental evidence demonstrating its impact on protein function have been reported. ClinVar contains an entry for this variant (Variation ID: 766790). Based on the evidence outlined above, the variant was classified as benign.

Ambry Genetics
Classification: Likely benign for Cardiovascular phenotype. Last evaluated: 2020-12-21. Review status: criteria provided, single submitter. Criteria: Ambry Variant Classification Scheme 2023. Collection method: clinical testing. Allele origin: germline.

NM_017946.4(FKBP14):c.246G>A (p.Leu82=)

Genes: FKBP14 (FKBP prolyl isomerase 14; minus strand), FKBP14-AS1 (FKBP14 antisense RNA 1; plus strand). Cytogenetic location: 7p14.3.
Variant type: single nucleotide variant.
Coding change: c.246G>A on transcript NM_017946.4 (MANE Select); coding-DNA position 246, G replaced by A.
Protein change: p.Leu82=; no amino-acid change (leucine 82 retained).
Molecular consequence: synonymous variant. On other transcripts: non-coding transcript variant (1).
Genome position (GRCh38, 1-based): chr7:30,022,768, C>T on the plus strand (G>A on the coding strand, the complement: FKBP14 is on the minus strand). VCF-style: chr7-30022768-C-T. GRCh37 (hg19) VCF-style: chr7-30062384-C-T.
Identifiers: ClinVar variation 766790 (VCV000766790.14), dbSNP rs188844900, ClinGen allele CA4203448.